The following is an entry in ClinVar:

NM_000548.5(TSC2):c.5245C>T (p.Arg1749Trp)

Gene: TSC2 (TSC complex subunit 2; plus strand). Cytogenetic location: 16p13.3.
Variant type: single nucleotide variant.
Coding change: c.5245C>T on transcript NM_000548.5 (MANE Select); coding-DNA position 5245, C replaced by T.
Protein change: p.Arg1749Trp; replaces arginine 1749 with tryptophan.
Molecular consequence: missense variant.
Genome position (GRCh38, 1-based): chr16:2,088,311, C>T. VCF-style: chr16-2088311-C-T. GRCh37 (hg19) VCF-style: chr16-2138312-C-T.
Other names: c.5044C>T, p.Arg1682Trp (NM_001077183.3); c.5176C>T, p.Arg1726Trp (NM_001114382.3); c.4936C>T, p.Arg1646Trp (NM_001318827.2); c.4900C>T, p.Arg1634Trp (NM_001318829.2); c.4513C>T, p.Arg1505Trp (NM_001318831.2); c.5077C>T, p.Arg1693Trp (NM_001318832.2); c.5047C>T, p.Arg1683Trp (NM_001363528.2); c.5113C>T, p.Arg1705Trp (NM_001370404.1); and 2 more; short protein forms R1505W, R1634W, R1646W, R1682W, R1683W, R1693W, R1702W, R1705W.
Identifiers: ClinVar variation 1013629 (VCV001013629.13), dbSNP rs1193817827, ClinGen allele CA394314699.

ClinVar aggregate classification (germline): Conflicting classifications of pathogenicity. Review status: criteria provided, conflicting classifications (1 of 4 stars). 5 submissions from 5 submitters: Uncertain significance (4); Benign (1). Last evaluated 2025-10-01.

Conditions:
Hereditary cancer-predisposing syndrome. Also called: Tumor predisposition; Hereditary Cancer Syndrome; Neoplastic Syndromes, Hereditary; Hereditary neoplastic syndrome. Identifiers: Orphanet 140162, MedGen C0027672, MeSH D009386, MONDO:0015356.
Tuberous sclerosis syndrome (TSC). Also called: Tuberous Sclerosis Complex; Tuberous sclerosis. Identifiers: Orphanet 805, MedGen C0041341, MONDO:0001734.
Tuberous sclerosis 2 (TSC2). Identifiers: Orphanet 805, MedGen C1860707, MONDO:0013199, OMIM 613254.

Allele frequency attached by ClinVar (database versions not stated): gnomAD exomes 0.00001.
gnomAD v4.1: 11 of 1,612,606 alleles (0.00068%); highest among the groups gnomAD compares: Non-Finnish European, 0.00085%; no homozygotes.

Submissions (5):

Labcorp Genetics (formerly Invitae), Labcorp
Classification: Benign for Tuberous sclerosis 2. Last evaluated: 2025-10-01. Review status: criteria provided, single submitter. Criteria: Invitae Variant Classification Sherloc (09022015). Collection method: clinical testing. Allele origin: germline.

Ambry Genetics
Classification: Uncertain significance for Hereditary cancer-predisposing syndrome. Last evaluated: 2025-01-02. Review status: criteria provided, single submitter. Criteria: Ambry Variant Classification Scheme 2023. Collection method: clinical testing. Allele origin: germline.
Comment: The p.R1749W variant (also known as c.5245C>T), located in coding exon 40 of the TSC2 gene, results from a C to T substitution at nucleotide position 5245. The arginine at codon 1749 is replaced by tryptophan, an amino acid with dissimilar properties. This variant was reported in individual(s) with features consistent with tuberous sclerosis (Langkau N et al. Eur J Pediatr, 2002 Jul;161:393-402). This amino acid position is highly conserved in available vertebrate species. In addition, this alteration is predicted to be deleterious by in silico analysis. Based on the available evidence, the clinical significance of this variant remains unclear.

All of Us Research Program, National Institutes of Health
Classification: Uncertain significance for Tuberous sclerosis syndrome. Last evaluated: 2023-08-15. Review status: criteria provided, single submitter. Criteria: ACMG Guidelines, 2015. Collection method: clinical testing. Allele origin: germline. Inheritance: Autosomal dominant inheritance. Observed: 1 variant allele, 1 heterozygote.
Comment: This missense variant replaces arginine with tryptophan at codon 1749 of the TSC2 protein. Computational prediction suggests that this variant may have deleterious impact on protein structure and function (internally defined REVEL score threshold >= 0.7, PMID: 27666373). To our knowledge, functional studies have not been reported for this variant. This variant has not been reported in individuals affected with TSC2-related disorders in the literature. This variant has been identified in 2/249514 chromosomes in the general population by the Genome Aggregation Database (gnomAD). The available evidence is insufficient to determine the role of this variant in disease conclusively. Therefore, this variant is classified as a Variant of Uncertain Significance.

This study involves interpretation of variants in research participants for the purpose of population health screening. Participant phenotype was not available at the time of variant classification. Additional details can be found in publication PMID: 35346344, PMCID: PMC8962531

Color Diagnostics, LLC DBA Color Health
Classification: Uncertain significance for Tuberous sclerosis syndrome. Last evaluated: 2023-07-21. Review status: criteria provided, single submitter. Criteria: ACMG Guidelines, 2015. Collection method: clinical testing. Allele origin: germline.
Comment: This missense variant replaces arginine with tryptophan at codon 1749 of the TSC2 protein. Computational prediction suggests that this variant may have deleterious impact on protein structure and function. To our knowledge, functional studies have not been reported for this variant. This variant has not been reported in individuals affected with TSC2-related disorders in the literature. This variant has been identified in 2/249514 chromosomes in the general population by the Genome Aggregation Database (gnomAD). The available evidence is insufficient to determine the role of this variant in disease conclusively. Therefore, this variant is classified as a Variant of Uncertain Significance.

GeneDx
Classification: Uncertain significance. Last evaluated: 2023-03-27. Review status: criteria provided, single submitter. Criteria: GeneDx Variant Classification Process June 2021. Collection method: clinical testing. Allele origin: germline. Affected: yes.
Comment: In silico analysis supports that this missense variant has a deleterious effect on protein structure/function; Identified in at least one individual with clinical features of tuberous sclerosis complex (Meng et al., 2021); This variant is associated with the following publications: (PMID: 12111193, 32917966)

Literature cited by the submitters: PubMed 12111193 (cited by Ambry Genetics).